The following is an entry in ClinVar:

ClinVar aggregate classification (germline): Conflicting classifications of pathogenicity. Review status: criteria provided, conflicting classifications (1 of 4 stars). 3 submissions from 3 submitters: Uncertain significance (1); Benign (2). Last evaluated 2025-11-09.

Conditions:
Hypertrophic cardiomyopathy 1 (CMH1). Also called: MYH7-Related Familial Hypertrophic Cardiomyopathy; Familial hypertrophic cardiomyopathy 1. Identifiers: MedGen C3495498, MONDO:0008647, OMIM 192600.

Allele frequency attached by ClinVar (database versions not stated): TOPMed 0.00008; ESP Exome Variant Server 0.00015; 1000 Genomes Project 30x 0.00047; 1000 Genomes Project 0.00060; ExAC 0.00119; gnomAD exomes 0.00155; gnomAD 0.00157 and 0.00165.
gnomAD v4.1: 1,272 of 1,613,344 alleles (0.079%); highest among the groups gnomAD compares: Middle Eastern, 0.016%; 14 homozygotes.

Submissions (3):

Labcorp Genetics (formerly Invitae), Labcorp
Classification: Benign for Hypertrophic cardiomyopathy 1. Last evaluated: 2025-11-09. Review status: criteria provided, single submitter. Criteria: Invitae Variant Classification Sherloc (09022015). Collection method: clinical testing. Allele origin: germline.

GeneDx
Classification: Benign. Last evaluated: 2018-03-26. Review status: criteria provided, single submitter. Criteria: GeneDx Variant Classification Process June 2021. Collection method: clinical testing. Allele origin: germline. Affected: yes.

Laboratory for Molecular Medicine, Mass General Brigham Personalized Medicine
Classification: Uncertain significance. Last evaluated: 2014-07-10. Review status: criteria provided, single submitter. Criteria: LMM Criteria. Collection method: clinical testing. Allele origin: germline. Observed: 1 variant allele.
Comment: Variant classified as Uncertain Significance - Favor Benign. The Pro264Leu varia nt in MYLK2 has not been previously reported in individuals with cardiomyopathy, but has been identified in 2/8600 European American chromosomes by the NHLBI Ex ome Sequencing Project (dbSNP rs142620954). P roline (Pro) at position 264 is not conserved in evolutionarily distant species and 7 fish species carry a leucine (Leu) at this position, raising the possibili ty that this change may be tolerated. In summary, while the clinical significanc e of the Pro264Leu variant is uncertain, the presence of the variant amino acid in several species indicates it is more likely benign.

NM_033118.4(MYLK2):c.791C>T (p.Pro264Leu)

Gene: MYLK2 (myosin light chain kinase 2; plus strand). Cytogenetic location: 20q11.21.
Variant type: single nucleotide variant.
Coding change: c.791C>T on transcript NM_033118.4 (MANE Select); coding-DNA position 791, C replaced by T.
Protein change: p.Pro264Leu; replaces proline 264 with leucine.
Molecular consequence: missense variant.
Genome position (GRCh38, 1-based): chr20:31,823,495, C>T. VCF-style: chr20-31823495-C-T. GRCh37 (hg19) VCF-style: chr20-30411298-C-T.
Other names: p.P264L:CCG>CTG; short protein forms P264L.
Identifiers: ClinVar variation 164504 (VCV000164504.17), dbSNP rs142620954, ClinGen allele CA177201.